The following is an entry in ClinVar:

ClinVar aggregate classification (germline): Uncertain significance. Review status: criteria provided, multiple submitters, no conflicts (2 of 4 stars). 3 submissions from 3 submitters: Uncertain significance (2). 1 of the submissions does not count toward it. Last evaluated 2026-01-21.

Conditions:
LEFTY2-related disorder. Also called: LEFTY2-related condition.
Left-right axis malformations. Identifiers: MedGen C1866091.

Allele frequency attached by ClinVar (database versions not stated): gnomAD 0.00005 and 0.00006; TOPMed 0.00006; ExAC 0.00008; gnomAD exomes 0.00009.
gnomAD v4.1: 40 of 1,613,936 alleles (0.0025%); highest among the groups gnomAD compares: Admixed American, 0.028%; no homozygotes.

Submissions (3):

Labcorp Genetics (formerly Invitae), Labcorp
Classification: Uncertain significance for Left-right axis malformations. Last evaluated: 2026-01-21. Review status: criteria provided, single submitter. Criteria: Invitae Variant Classification Sherloc (09022015). Collection method: clinical testing. Allele origin: germline.
Comment: This sequence change replaces serine, which is neutral and polar, with asparagine, which is neutral and polar, at codon 342 of the LEFTY2 protein (p.Ser342Asn). This variant is present in population databases (rs121909126, gnomAD 0.05%), and has an allele count higher than expected for a pathogenic variant. This missense change has been observed in individual(s) with laterality defects (PMID: 10053005). ClinVar contains an entry for this variant (Variation ID: 7640). Invitae Evidence Modeling of protein sequence and biophysical properties (such as structural, functional, and spatial information, amino acid conservation, physicochemical variation, residue mobility, and thermodynamic stability) has been performed for this missense variant. However, the output from this modeling did not meet the statistical confidence thresholds required to predict the impact of this variant on LEFTY2 protein function. In summary, the available evidence is currently insufficient to determine the role of this variant in disease. Therefore, it has been classified as a Variant of Uncertain Significance.

PreventionGenetics, part of Exact Sciences
Classification: Uncertain significance for LEFTY2-related condition. Last evaluated: 2026-01-20. Review status: criteria provided, single submitter. Criteria: ACMG Guidelines, 2015. Collection method: clinical testing. Allele origin: germline.
Comment: The LEFTY2 c.1025G>A variant is predicted to result in the amino acid substitution p.Ser342Asn. This variant was reported in an individual with Left-right axis malformation (Kosaki et al. 1999. PubMed ID: 10053005). This variant is reported in 0.043% of alleles in individuals of Latino descent in gnomAD. At this time, the clinical significance of this variant is uncertain due to the absence of conclusive functional and genetic evidence.

OMIM
Classification: Uncertain significance for RECLASSIFIED - VARIANT OF UNKNOWN SIGNIFICANCE. Last evaluated: 1999-03-01. Review status: no assertion criteria provided. Collection method: literature only. Allele origin: germline. Not counted in ClinVar's aggregate classification.

Literature cited by the submitters: PubMed 10053005 (cited by Labcorp Genetics (formerly Invitae), Labcorp and OMIM).

NM_003240.5(LEFTY2):c.1025G>A (p.Ser342Asn)

Gene: LEFTY2 (left-right determination factor 2; minus strand). Cytogenetic location: 1q42.12.
Variant type: single nucleotide variant.
Coding change: c.1025G>A on transcript NM_003240.5 (MANE Select); coding-DNA position 1025, G replaced by A.
Protein change: p.Ser342Asn; replaces serine 342 with asparagine.
Molecular consequence: missense variant.
Genome position (GRCh38, 1-based): chr1:225,937,517, C>T on the plus strand (G>A on the coding strand, the complement: LEFTY2 is on the minus strand). VCF-style: chr1-225937517-C-T. GRCh37 (hg19) VCF-style: chr1-226125217-C-T.
Other names: S342K; c.923G>A, p.Ser308Asn (NM_001172425.3); c.1025G>A (NM_003240.4); short protein forms S342N, S308N.
Identifiers: ClinVar variation 7640 (VCV000007640.8), dbSNP rs121909126, ClinGen allele CA118945.